The following is an entry in ClinVar:

ClinVar aggregate classification (germline): Likely pathogenic. Review status: criteria provided, single submitter (1 of 4 stars). 2 submissions from 2 submitters: Likely pathogenic (1). 1 of the submissions does not count toward it. Last evaluated 2026-06-18.

Conditions:
Hereditary cancer-predisposing syndrome. Also called: Neoplastic Syndromes, Hereditary; Hereditary neoplastic syndrome; Hereditary Cancer Syndrome; Tumor predisposition. Identifiers: Orphanet 140162, MedGen C0027672, MeSH D009386, MONDO:0015356.
Tuberous sclerosis syndrome (TSC). Also called: Tuberous Sclerosis Complex; Tuberous sclerosis. Identifiers: Orphanet 805, MedGen C0041341, MONDO:0001734.

Submissions (2):

Ambry Genetics
Classification: Likely pathogenic for Hereditary cancer-predisposing syndrome. Last evaluated: 2026-06-18. Review status: criteria provided, single submitter. Criteria: Ambry Variant Classification Scheme 2023. Collection method: clinical testing. Allele origin: germline.
Comment: The c.362A>G variant (also known as p.K121R), located in coding exon 3 of the TSC1 gene, results from an A to G substitution at nucleotide position 362. The lysine at codon 121 is replaced by arginine, an amino acid with highly similar properties. This variant was reported in individuals with features consistent with tuberous sclerosis complex (Malissen N et al. J Am Acad Dermatol, 2017 Sep;77:464-472.e3; Ye Z et al. Hum Mutat, 2022 Dec;43:1956-1969). This nucleotide position is highly conserved in available vertebrate species. In silico splice site analysis predicts that this alteration will weaken the native splice donor site. RNA studies have demonstrated that this variant results in abnormal splicing in the set of samples tested (Ye Z et al. Hum Mutat, 2022 Dec;43:1956-1969; Ambry internal data). This variant is considered to be rare based on population cohorts in the Genome Aggregation Database (gnomAD). Based on the majority of available evidence to date, this variant is likely to be pathogenic.

Tuberous sclerosis database (TSC1)
No classification provided. Condition: TSC. Review status: no classification provided. Criteria: Tuberous Sclerosis Database Assertion Criteria 2015. Collection method: curation. Allele origin: germline. Affected: yes. Not counted in ClinVar's aggregate classification.

Literature cited by the submitters: PubMed 21309039 (cited by Ambry Genetics); PubMed 28502378 (cited by Ambry Genetics); PubMed 36030538 (cited by Ambry Genetics).

NM_000368.5(TSC1):c.362A>G (p.Lys121Arg)

Gene: TSC1 (TSC complex subunit 1; minus strand). Cytogenetic location: 9q34.13.
Variant type: single nucleotide variant.
Coding change: c.362A>G on transcript NM_000368.5 (MANE Select); coding-DNA position 362, A replaced by G.
Protein change: p.Lys121Arg; replaces lysine 121 with arginine.
Molecular consequence: missense variant. On other transcripts: 5 prime UTR variant (18), non-coding transcript variant (5), intron variant (5).
Genome position (GRCh38, 1-based): chr9:132,925,588, T>C on the plus strand (A>G on the coding strand, the complement: TSC1 is on the minus strand). VCF-style: chr9-132925588-T-C. GRCh37 (hg19) VCF-style: chr9-135800975-T-C.
Other names: c.-516A>G (NM_001406627.1, NM_001406628.1, NM_001406626.1); c.-658A>G (NM_001406629.1); c.-732A>G (NM_001406630.1); c.210+1613A>G (NM_001406613.1, NM_001406612.1, NM_001406610.1 and 2 more transcripts); c.362A>G, p.Lys121Arg (NM_001162426.2, NM_001406592.1, NM_001406593.1 and 16 more transcripts); c.-2A>G (NM_001362177.2, NM_001406617.1, NM_001406618.1 and 5 more transcripts); c.-94A>G (NM_001406614.1, NM_001406616.1, NM_001406624.1); c.-127A>G (NM_001406615.1, NM_001406623.1); short protein forms K121R.
Identifiers: ClinVar variation 49028 (VCV000049028.3), dbSNP rs118203369, ClinGen allele CA007416.
Genomic context (GRCh38, chr9:132,925,588, plus strand): 5'-AAAATTTCAGAAACTATACTCATAAAACCATTTCATTCAAATCCTTACAAACATCCTACC[T>C]TGAGACATTTTAGTAAAGAAGGCAAAAGAGGTGCTTGAGAGAGCTTATGCTTCCAAGATG-3'
Protein context (NP_000359.1, residues 111-131): PLLPSLLKCL[Lys121Arg]MDTDVVVLTT